The following is an entry in ClinVar:

ClinVar aggregate classification (germline): Uncertain significance (1 of 4 stars; one submission).

Conditions:
Short-rib thoracic dysplasia 14 with polydactyly (SRTD14). Identifiers: Orphanet 397715, MedGen C4225286, MONDO:0014688, OMIM 616546.
Joubert syndrome 23 (JBTS23). Identifiers: Orphanet 475, MedGen C4084822, MONDO:0014664, OMIM 616490.

Allele frequency attached by ClinVar (database versions not stated): gnomAD exomes below 0.00001.
gnomAD v4.1: 2 of 1,613,716 alleles (0.00012%); highest among the groups gnomAD compares: Non-Finnish European, 0.00017%; no homozygotes.

Submission:

Labcorp Genetics (formerly Invitae), Labcorp
Classification: Uncertain significance for Joubert syndrome 23; Short-rib thoracic dysplasia 14 with polydactyly. Last evaluated: 2022-06-13. Review status: criteria provided, single submitter. Criteria: Invitae Variant Classification Sherloc (09022015). Collection method: clinical testing. Allele origin: germline.
Comment: This variant has not been reported in the literature in individuals affected with KIAA0586-related conditions. In summary, the available evidence is currently insufficient to determine the role of this variant in disease. Therefore, it has been classified as a Variant of Uncertain Significance. Algorithms developed to predict the effect of missense changes on protein structure and function are either unavailable or do not agree on the potential impact of this missense change (SIFT: "Tolerated"; PolyPhen-2: "Possibly Damaging"; Align-GVGD: "Class C0"). ClinVar contains an entry for this variant (Variation ID: 1044797). This variant is not present in population databases (gnomAD no frequency). This sequence change replaces aspartic acid, which is acidic and polar, with asparagine, which is neutral and polar, at codon 1133 of the KIAA0586 protein (p.Asp1133Asn).

NM_001329943.3(KIAA0586):c.3238G>A (p.Asp1080Asn)

Gene: KIAA0586 (KIAA0586; plus strand). Cytogenetic location: 14q23.1.
Variant type: single nucleotide variant.
Coding change: c.3238G>A on transcript NM_001329943.3 (MANE Select); coding-DNA position 3238, G replaced by A.
Protein change: p.Asp1080Asn; replaces aspartic acid 1080 with asparagine.
Molecular consequence: missense variant.
Genome position (GRCh38, 1-based): chr14:58,487,100, G>A. VCF-style: chr14-58487100-G-A. GRCh37 (hg19) VCF-style: chr14-58953818-G-A.
Other names: c.3397G>A, p.Asp1133Asn (NM_001244189.2); c.3193G>A, p.Asp1065Asn (NM_001244190.2); c.2983G>A, p.Asp995Asn (NM_001244191.2, NM_001329945.2, NM_001364700.1 and 1 more transcripts); c.3106G>A, p.Asp1036Asn (NM_001244192.2); c.2818G>A, p.Asp940Asn (NM_001244193.2); c.3238G>A, p.Asp1080Asn (NM_001329944.2, NM_001329946.2, NM_001329947.2); c.3010G>A, p.Asp1004Asn (NM_014749.5); short protein forms D1080N, D995N, D1065N, D1133N, D940N, D1004N, D1036N.
Identifiers: ClinVar variation 1044797 (VCV001044797.8), dbSNP rs2042507801, ClinGen allele CA389880945.
Genomic context (GRCh38, chr14:58,487,100, plus strand): 5'-CCTACGCCTCCTTGCTCACCTTCATCACCTGCTAAGGAGTGTGTTTTGGTAAAGACTCCA[G>A]ATTCTTCTCCCTGTGATTCGGATCATGATATGGCTTTTCCTGTGAAAGAAATATGTGCTG-3'
Protein context (NP_001316872.1, residues 1070-1090): AKECVLVKTP[Asp1080Asn]SSPCDSDHDM